The following is an entry in ClinVar:

NM_000132.4(F8):c.1652A>G (p.Tyr551Cys)

Gene: F8 (coagulation factor VIII; minus strand). Cytogenetic location: Xq28.
Variant type: single nucleotide variant.
Coding change: c.1652A>G on transcript NM_000132.4 (MANE Select); coding-DNA position 1652, A replaced by G.
Protein change: p.Tyr551Cys; replaces tyrosine 551 with cysteine.
Molecular consequence: missense variant.
Genome position (GRCh38, 1-based): chrX:154,957,057, T>C on the plus strand (A>G on the coding strand, the complement: F8 is on the minus strand). VCF-style: chrX-154957057-T-C. GRCh37 (hg19) VCF-style: chrX-154185332-T-C.
Other names: short protein forms Y551C.
Identifiers: ClinVar variation 993826 (VCV000993826.8), dbSNP rs2073368605, ClinGen allele CA414911830.

ClinVar aggregate classification (germline): Uncertain significance (1 of 4 stars; one submission).

Conditions:
Hereditary factor VIII deficiency disease (HEMA). Also called: AUTOSOMAL HEMOPHILIA A; Hemophilia A, congenital; HEM A; Factor 8 deficiency, congenital; HEMOPHILIA, CLASSIC; Hemophilia A. Identifiers: Orphanet 98878, MedGen C0019069, MONDO:0010602, OMIM 306700.

Submission:

ARUP Laboratories, Molecular Genetics and Genomics, ARUP Laboratories
Classification: Uncertain significance for Hereditary factor VIII deficiency disease. Last evaluated: 2019-11-11. Review status: criteria provided, single submitter. Criteria: ARUP Molecular Germline Variant Investigation Process. Collection method: clinical testing. Allele origin: germline.
Comment: The F8 c.1652A>G; p.Tyr551Cys variant is reported in the literature in at least 4 individuals with mild hemophilia (Rydz 2013). This variant is absent from general population databases (Exome Variant Server, Genome Aggregation Database), indicating it is not a common polymorphism. The tyrosine at codon 551 is highly conserved, and computational analyses (SIFT, PolyPhen-2) predict that this variant is deleterious. Due to limited information, the clinical significance of the p.Tyr551Cys variant is uncertain at this time. References: Rydz N et al. The Canadian "National Program for hemophilia mutation testing" database: a ten-year review. Am J Hematol. 2013 Dec;88(12):1030-4.